The following is an entry in ClinVar:

ClinVar aggregate classification (germline): Likely benign. Review status: criteria provided, single submitter (1 of 4 stars). 2 submissions from 2 submitters: Likely benign (1). 1 of the submissions does not count toward it. Last evaluated 2022-02-15.

Conditions:
IFT172-related disorder. Also called: IFT172-related condition; IFT172-related disorders.
Short-rib thoracic dysplasia 10 with or without polydactyly (SRTD10). Identifiers: Orphanet 474, MedGen C3810175, MONDO:0014284, OMIM 615630.
Retinitis pigmentosa 71 (RP71). Identifiers: Orphanet 791, MedGen C4225342, MONDO:0014618, OMIM 616394.

Allele frequency attached by ClinVar (database versions not stated): gnomAD exomes below 0.00001; TOPMed 0.00001; gnomAD 0.00001.
gnomAD v4.1: 3 of 1,614,080 alleles (0.00019%); highest among the groups gnomAD compares: African/African-American, 0.0027%; no homozygotes.

Submissions (2):

Labcorp Genetics (formerly Invitae), Labcorp
Classification: Likely benign for Retinitis pigmentosa 71; Short-rib thoracic dysplasia 10 with or without polydactyly. Last evaluated: 2022-02-15. Review status: criteria provided, single submitter. Criteria: Invitae Variant Classification Sherloc (09022015). Collection method: clinical testing. Allele origin: germline.

PreventionGenetics, part of Exact Sciences
Classification: Likely benign for IFT172-related condition. Last evaluated: 2019-08-09. Review status: no assertion criteria provided. Collection method: clinical testing. Allele origin: germline. Not counted in ClinVar's aggregate classification.
Comment: This variant is classified as likely benign based on ACMG/AMP sequence variant interpretation guidelines (Richards et al. 2015 PMID: 25741868, with internal and published modifications).

NM_015662.3(IFT172):c.4816-5T>C

Genes: IFT172 (intraflagellar transport 172; minus strand), KRTCAP3 (keratinocyte associated protein 3; plus strand). Cytogenetic location: 2p23.3.
Variant type: single nucleotide variant.
Coding change: c.4816-5T>C on transcript NM_015662.3 (MANE Select); 5 bases into the intron before coding-DNA position 4816, T replaced by C.
Molecular consequence: intron variant.
Genome position (GRCh38, 1-based): chr2:27,445,848, A>G on the plus strand (T>C on the coding strand, the complement: IFT172 is on the minus strand). VCF-style: chr2-27445848-A-G. GRCh37 (hg19) VCF-style: chr2-27668715-A-G.
Other names: c.*6-453A>G (NM_001168364.2); c.4750-5T>C (NM_001410739.1).
Identifiers: ClinVar variation 1977110 (VCV001977110.6), dbSNP rs1344754580, ClinGen allele CA531765482.